The following is an entry in ClinVar:

NM_006015.6(ARID1A):c.6829G>C (p.Asp2277His)

Gene: ARID1A (AT-rich interaction domain 1A; plus strand). Cytogenetic location: 1p36.11.
Variant type: single nucleotide variant.
Coding change: c.6829G>C on transcript NM_006015.6 (MANE Select); coding-DNA position 6829, G replaced by C.
Protein change: p.Asp2277His; replaces aspartic acid 2277 with histidine.
Molecular consequence: missense variant.
Genome position (GRCh38, 1-based): chr1:26,780,727, G>C. VCF-style: chr1-26780727-G-C. GRCh37 (hg19) VCF-style: chr1-27107218-G-C.
Other names: c.6178G>C, p.Asp2060His (NM_139135.4); short protein forms D2060H, D2277H.
Identifiers: ClinVar variation 3905931 (VCV003905931.10).

ClinVar aggregate classification (germline): Uncertain significance (1 of 4 stars; one submission).

Submission:

CeGaT Center for Human Genetics Tuebingen
Classification: Uncertain significance. Last evaluated: 2025-05-01. Review status: criteria provided, single submitter. Criteria: CeGaT Center For Human Genetics Tuebingen Variant Classification Criteria Version 2. Collection method: clinical testing. Allele origin: germline. Affected: yes. Observed: 1 variant allele.
Comment: ARID1A: PM2